The following is an entry in ClinVar:

ClinVar aggregate classification (germline): Uncertain significance (1 of 4 stars; one submission).

Conditions:
Candidiasis, familial, 8 (CANDF8). Identifiers: Orphanet 1334, MedGen C3714992, MONDO:0014230, OMIM 615527.

Allele frequency attached by ClinVar (database versions not stated): gnomAD exomes 0.00001; ExAC 0.00002; gnomAD 0.00002; TOPMed 0.00003.
gnomAD v4.1: 16 of 1,614,104 alleles (0.00099%); highest among the groups gnomAD compares: East Asian, 0.011%; no homozygotes.

Submission:

Labcorp Genetics (formerly Invitae), Labcorp
Classification: Uncertain significance for Candidiasis, familial, 8. Last evaluated: 2022-06-18. Review status: criteria provided, single submitter. Criteria: Invitae Variant Classification Sherloc (09022015). Collection method: clinical testing. Allele origin: germline.
Comment: This sequence change replaces asparagine, which is neutral and polar, with aspartic acid, which is acidic and polar, at codon 45 of the TRAF3IP2 protein (p.Asn45Asp). This variant is present in population databases (rs746452732, gnomAD 0.01%). This variant has not been reported in the literature in individuals affected with TRAF3IP2-related conditions. Algorithms developed to predict the effect of missense changes on protein structure and function (SIFT, PolyPhen-2, Align-GVGD) all suggest that this variant is likely to be tolerated. In summary, the available evidence is currently insufficient to determine the role of this variant in disease. Therefore, it has been classified as a Variant of Uncertain Significance.

NM_147686.4(TRAF3IP2):c.133A>G (p.Asn45Asp)

Genes: TRAF3IP2 (TRAF3 interacting protein 2; minus strand), TRAF3IP2-AS1 (TRAF3IP2 antisense RNA 1; plus strand). Cytogenetic location: 6q21.
Variant type: single nucleotide variant.
Coding change: c.133A>G on transcript NM_147686.4 (MANE Select); coding-DNA position 133, A replaced by G.
Protein change: p.Asn45Asp; replaces asparagine 45 with aspartic acid.
Molecular consequence: missense variant.
Genome position (GRCh38, 1-based): chr6:111,591,954, T>C on the plus strand (A>G on the coding strand, the complement: TRAF3IP2 is on the minus strand). VCF-style: chr6-111591954-T-C. GRCh37 (hg19) VCF-style: chr6-111913157-T-C.
Other names: c.133A>G, p.Asn45Asp (NM_001164281.3); c.160A>G, p.Asn54Asp (NM_147200.3); short protein forms N54D, N45D.
Identifiers: ClinVar variation 1916706 (VCV001916706.2), dbSNP rs746452732, ClinGen allele CA3963376.